The following is an entry in ClinVar:

ClinVar aggregate classification (germline): Uncertain significance. Review status: criteria provided, multiple submitters, no conflicts (2 of 4 stars). 2 submissions from 2 submitters: Uncertain significance (2). Last evaluated 2025-06-18.

Allele frequency attached by ClinVar (database versions not stated): gnomAD 0.00001; ExAC 0.00002; gnomAD exomes 0.00002.
gnomAD v4.1: 13 of 1,613,862 alleles (0.00081%); highest among the groups gnomAD compares: Admixed American, 0.0033%; no homozygotes.

Submissions (2):

Ambry Genetics
Classification: Uncertain significance. Last evaluated: 2025-06-18. Review status: criteria provided, single submitter. Criteria: Ambry Variant Classification Scheme 2023. Collection method: clinical testing. Allele origin: germline.

Labcorp Genetics (formerly Invitae), Labcorp
Classification: Uncertain significance. Last evaluated: 2022-11-15. Review status: criteria provided, single submitter. Criteria: Invitae Variant Classification Sherloc (09022015). Collection method: clinical testing. Allele origin: germline.
Comment: This variant has not been reported in the literature in individuals affected with ICK-related conditions. Advanced modeling of protein sequence and biophysical properties (such as structural, functional, and spatial information, amino acid conservation, physicochemical variation, residue mobility, and thermodynamic stability) performed at Invitae indicates that this missense variant is expected to disrupt ICK protein function. In summary, the available evidence is currently insufficient to determine the role of this variant in disease. Therefore, it has been classified as a Variant of Uncertain Significance. This variant is present in population databases (rs753777674, gnomAD 0.006%). This sequence change replaces arginine, which is basic and polar, with glutamine, which is neutral and polar, at codon 151 of the ICK protein (p.Arg151Gln).

NM_014920.5(CILK1):c.452G>A (p.Arg151Gln)

Gene: CILK1 (ciliogenesis associated kinase 1; minus strand). Cytogenetic location: 6p12.1.
Variant type: single nucleotide variant.
Coding change: c.452G>A on transcript NM_014920.5 (MANE Select); coding-DNA position 452, G replaced by A.
Protein change: p.Arg151Gln; replaces arginine 151 with glutamine.
Molecular consequence: missense variant. On other transcripts: non-coding transcript variant (1).
Genome position (GRCh38, 1-based): chr6:53,019,266, C>T on the plus strand (G>A on the coding strand, the complement: CILK1 is on the minus strand). VCF-style: chr6-53019266-C-T. GRCh37 (hg19) VCF-style: chr6-52884064-C-T.
Other names: c.452G>A (NM_016513.4); c.452G>A, p.Arg151Gln (NM_001375397.1, NM_001375398.1, NM_001375399.1 and 4 more transcripts); short protein forms R151Q.
Identifiers: ClinVar variation 1927051 (VCV001927051.6), dbSNP rs753777674, ClinGen allele CA3858792.
Genomic context (GRCh38, chr6:53,019,266, plus strand): 5'-TTTGAGAAAAATGGTATTCACCATCTGGTAGATACATAATCTGTATATGGAGGTTTTGAT[C>T]GTATTTCTCGGGCCAAACCAAAGTCTGCAATTTTCACAAGTTCTGGTCCCATGCAGAGGA-3'
Protein context (NP_055735.1, residues 141-161): IADFGLAREI[Arg151Gln]SKPPYTDYVS